The following is an entry in ClinVar:

NM_006421.5(ARFGEF1):c.127G>C (p.Glu43Gln)

Gene: ARFGEF1 (ARF guanine nucleotide exchange factor 1; minus strand). Cytogenetic location: 8q13.2.
Variant type: single nucleotide variant.
Coding change: c.127G>C on transcript NM_006421.5 (MANE Select); coding-DNA position 127, G replaced by C.
Protein change: p.Glu43Gln; replaces glutamic acid 43 with glutamine.
Molecular consequence: missense variant. On other transcripts: 5 prime UTR variant (3), non-coding transcript variant (1), intron variant (1).
Genome position (GRCh38, 1-based): chr8:67,302,464, C>G on the plus strand (G>C on the coding strand, the complement: ARFGEF1 is on the minus strand). VCF-style: chr8-67302464-C-G. GRCh37 (hg19) VCF-style: chr8-68214699-C-G.
Other names: c.127G>C, p.Glu43Gln (NM_001413184.1, NM_001413185.1, NM_001413186.1 and 7 more transcripts); c.-474G>C (NM_001413188.1, NM_001413193.1); c.-989G>C (NM_001413196.1); c.-445-1084G>C (NM_001413197.1); short protein forms E43Q.
Identifiers: ClinVar variation 3901056 (VCV003901056.1).

ClinVar aggregate classification (germline): Uncertain significance (1 of 4 stars; one submission).

Conditions:
Developmental delay, impaired speech, and behavioral abnormalities, with or without seizures (DEDISB). Identifiers: MedGen C5575272, MONDO:0859263, OMIM 619964.

Submission:

Laboratorio de Genetica e Diagnostico Molecular, Hospital Israelita Albert Einstein
Classification: Uncertain significance for Developmental delay, impaired speech, and behavioral abnormalities, with or without seizures. Last evaluated: 2025-01-25. Review status: criteria provided, single submitter. Criteria: ACMG Guidelines, 2015. Collection method: clinical testing. Allele origin: germline. Affected: yes.
Comment: ACMG classification criteria: PM2 supporting, BP4 supporting